The following is an entry in ClinVar:

NM_003737.4(DCHS1):c.7705A>C (p.Asn2569His)

Gene: DCHS1 (dachsous cadherin-related 1; minus strand). Cytogenetic location: 11p15.4.
Variant type: single nucleotide variant.
Coding change: c.7705A>C on transcript NM_003737.4 (MANE Select); coding-DNA position 7705, A replaced by C.
Protein change: p.Asn2569His; replaces asparagine 2569 with histidine.
Molecular consequence: missense variant.
Genome position (GRCh38, 1-based): chr11:6,623,971, T>G on the plus strand (A>C on the coding strand, the complement: DCHS1 is on the minus strand). VCF-style: chr11-6623971-T-G. GRCh37 (hg19) VCF-style: chr11-6645202-T-G.
Other names: short protein forms N2569H.
Identifiers: ClinVar variation 1450331 (VCV001450331.9), dbSNP rs2134611839, ClinGen allele CA379482534.

ClinVar aggregate classification (germline): Uncertain significance (1 of 4 stars; one submission).

Allele frequency attached by ClinVar (database versions not stated): gnomAD exomes below 0.00001.
gnomAD v4.1: 2 of 1,609,876 alleles (0.00012%); highest among the groups gnomAD compares: Admixed American, 0.0033%; no homozygotes.

Submission:

Labcorp Genetics (formerly Invitae), Labcorp
Classification: Uncertain significance. Last evaluated: 2022-07-11. Review status: criteria provided, single submitter. Criteria: Invitae Variant Classification Sherloc (09022015). Collection method: clinical testing. Allele origin: germline.
Comment: In summary, the available evidence is currently insufficient to determine the role of this variant in disease. Therefore, it has been classified as a Variant of Uncertain Significance. Advanced modeling of protein sequence and biophysical properties (such as structural, functional, and spatial information, amino acid conservation, physicochemical variation, residue mobility, and thermodynamic stability) performed at Invitae indicates that this missense variant is not expected to disrupt DCHS1 protein function. ClinVar contains an entry for this variant (Variation ID: 1450331). This variant has not been reported in the literature in individuals affected with DCHS1-related conditions. This variant is not present in population databases (gnomAD no frequency). This sequence change replaces asparagine, which is neutral and polar, with histidine, which is basic and polar, at codon 2569 of the DCHS1 protein (p.Asn2569His).